The following is an entry in ClinVar:

ClinVar aggregate classification (germline): Conflicting classifications of pathogenicity. Review status: criteria provided, conflicting classifications (1 of 4 stars). 8 submissions from 7 submitters: Uncertain significance (6); Likely benign (2). Last evaluated 2026-07-06.

Conditions:
COL11A2-related disorder. Also called: COL11A2-related condition; COL11A2-related disorders.
Fibrochondrogenesis 2 (FBCG2). Identifiers: Orphanet 2021, MedGen C3281128, MONDO:0013795, OMIM 614524.
Otospondylomegaepiphyseal dysplasia, autosomal dominant (OSMEDA). Also called: Stickler syndrome, type 3; COL11A2-Related Stickler Syndrome; Pierre Robin syndrome with fetal chondrodysplasia. Identifiers: Orphanet 166100, Orphanet 3450, MedGen C1848488, MONDO:0008490, OMIM 184840.
Autosomal recessive nonsyndromic hearing loss 53. Identifiers: Orphanet 90636, MedGen C1864746, MONDO:0012333, OMIM 609706.
Otospondylomegaepiphyseal dysplasia, autosomal recessive (OSMEDB). Also called: Insley-Astley syndrome; CHONDRODYSTROPHY WITH SENSORINEURAL DEAFNESS. Identifiers: Orphanet 1427, MedGen CN034493, MONDO:0044206, OMIM 215150.
Autosomal dominant nonsyndromic hearing loss 13. Identifiers: Orphanet 90635, MedGen C1866095, MONDO:0011159, OMIM 601868.

Allele frequency attached by ClinVar (database versions not stated): ExAC 0.00009; gnomAD exomes 0.00003; gnomAD 0.00004 and 0.00006; TOPMed 0.00007.
gnomAD v4.1: 103 of 1,594,376 alleles (0.0065%); highest among the groups gnomAD compares: Middle Eastern, 0.033%; 1 homozygote.

Submissions (8):

PreventionGenetics, part of Exact Sciences
Classification: Uncertain significance for COL11A2-related condition. Last evaluated: 2026-07-06. Review status: criteria provided, single submitter. Criteria: ACMG Guidelines, 2015. Collection method: clinical testing. Allele origin: germline.
Comment: The COL11A2 c.3883G>A variant is predicted to result in the amino acid substitution p.Glu1295Lys. To our knowledge, this variant has not been reported in the literature. This variant is reported in 0.0072% of alleles in individuals of European (Non-Finnish) descent in gnomAD. However, in gnomAD v4 (available only on GRCh38), this variant is reported in 103 alleles globally, which is likely too common for a highly penetrant pathogenic variant. Although we suspect that this variant may be benign, at this time, the clinical significance of this variant is uncertain due to the absence of conclusive functional and genetic evidence.

Labcorp Genetics (formerly Invitae), Labcorp
Classification: Likely benign. Last evaluated: 2025-11-17. Review status: criteria provided, single submitter. Criteria: Invitae Variant Classification Sherloc (09022015). Collection method: clinical testing. Allele origin: germline.

Genomic Medicine Center of Excellence, King Faisal Specialist Hospital and Research Centre
Classification: Likely benign for Otospondylomegaepiphyseal dysplasia, autosomal dominant. Last evaluated: 2024-03-26. Review status: criteria provided, single submitter. Criteria: ACMG Guidelines, 2015. Collection method: clinical testing. Allele origin: germline.

Blueprint Genetics
Classification: Uncertain significance. Last evaluated: 2023-08-16. Review status: criteria provided, single submitter. Criteria: ACMG Guidelines, 2015. Collection method: clinical testing. Allele origin: germline.

GeneDx
Classification: Uncertain significance. Last evaluated: 2022-04-01. Review status: criteria provided, single submitter. Criteria: GeneDx Variant Classification Process June 2021. Collection method: clinical testing. Allele origin: germline. Affected: yes.
Comment: Has not been previously published as pathogenic or benign to our knowledge; In silico analysis supports that this missense variant has a deleterious effect on protein structure/function

Fulgent Genetics
Classification: Uncertain significance for Otospondylomegaepiphyseal dysplasia, autosomal dominant; Otospondylomegaepiphyseal dysplasia, autosomal recessive; Autosomal dominant nonsyndromic hearing loss 13; Autosomal recessive nonsyndromic hearing loss 53; Fibrochondrogenesis 2. Last evaluated: 2021-09-09. Review status: criteria provided, single submitter. Criteria: ACMG Guidelines, 2015. Collection method: clinical testing. Allele origin: unknown.

Illumina Laboratory Services, Illumina
Classification: Uncertain significance for Otospondylomegaepiphyseal dysplasia, autosomal recessive. Last evaluated: 2018-01-13. Review status: criteria provided, single submitter. Criteria: ICSL Variant Classification Criteria 13 December 2019. Collection method: clinical testing. Allele origin: germline.

Illumina Laboratory Services, Illumina
Classification: Uncertain significance for Fibrochondrogenesis 2. Last evaluated: 2018-01-13. Review status: criteria provided, single submitter. Criteria: ICSL Variant Classification Criteria 13 December 2019. Collection method: clinical testing. Allele origin: germline.

NM_080680.3(COL11A2):c.3883G>A (p.Glu1295Lys)

Gene: COL11A2 (collagen type XI alpha 2 chain; minus strand). Cytogenetic location: 6p21.32.
Variant type: single nucleotide variant.
Coding change: c.3883G>A on transcript NM_080680.3 (MANE Select); coding-DNA position 3883, G replaced by A.
Protein change: p.Glu1295Lys; replaces glutamic acid 1295 with lysine.
Molecular consequence: missense variant.
Genome position (GRCh38, 1-based): chr6:33,168,729, C>T on the plus strand (G>A on the coding strand, the complement: COL11A2 is on the minus strand). VCF-style: chr6-33168729-C-T. GRCh37 (hg19) VCF-style: chr6-33136506-C-T.
Other names: c.3562G>A, p.Glu1188Lys (NM_080679.3); c.3625G>A, p.Glu1209Lys (NM_080681.3); short protein forms E1295K, E1188K, E1209K.
Identifiers: ClinVar variation 356387 (VCV000356387.18), dbSNP rs758507327, ClinGen allele CA3750325.
Genomic context (GRCh38, chr6:33,168,729, plus strand): 5'-TGGGCTCAGGGGGGTGGTGGGGTCACCAGGCACTCACAGGCTGTCCTGGCTCACCATCCT[C>T]GCCTCGGTCACCCTTAGCACCATCCTGGCCCTGCAGAAGTGAAGCAAGGTCAGAGGTGGG-3'
Protein context (NP_542411.2, residues 1285-1305): GQDGAKGDRG[Glu1295Lys]DGEPGQPGSP